The following is an entry in ClinVar:

NM_017514.5(PLXNA3):c.2086G>A (p.Val696Ile)

Gene: PLXNA3 (plexin A3; plus strand). Cytogenetic location: Xq28.
Variant type: single nucleotide variant.
Coding change: c.2086G>A on transcript NM_017514.5 (MANE Select); coding-DNA position 2086, G replaced by A.
Protein change: p.Val696Ile; replaces valine 696 with isoleucine.
Molecular consequence: missense variant.
Genome position (GRCh38, 1-based): chrX:154,465,060, G>A. VCF-style: chrX-154465060-G-A. GRCh37 (hg19) VCF-style: chrX-153693403-G-A.
Other names: short protein forms V696I.
Identifiers: ClinVar variation 3346894 (VCV003346894.2).

ClinVar aggregate classification (germline): Uncertain significance (1 of 4 stars; one submission).

Conditions:
PLXNA3-related disorder. Also called: PLXNA3-related condition.

gnomAD v4.1: 6 of 1,209,620 alleles (0.0005%); highest among the groups gnomAD compares: African/African-American, 0.0017%; no homozygotes.

Submission:

PreventionGenetics, part of Exact Sciences
Classification: Uncertain significance for PLXNA3-related condition. Last evaluated: 2025-05-27. Review status: criteria provided, single submitter. Criteria: ACMG Guidelines, 2015. Collection method: clinical testing. Allele origin: germline.
Comment: The PLXNA3 c.2086G>A variant is predicted to result in the amino acid substitution p.Val696Ile. To our knowledge, this variant has not been reported in the literature. This variant is reported in 0.0079% of alleles in individuals of African descent in gnomAD. At this time, the clinical significance of this variant is uncertain due to the absence of conclusive functional and genetic evidence.